The following is an entry in ClinVar:

NM_005228.5(EGFR):c.1881-772G>A

Gene: EGFR (epidermal growth factor receptor; plus strand). Cytogenetic location: 7p11.2.
Variant type: single nucleotide variant.
Coding change: c.1881-772G>A on transcript NM_005228.5 (MANE Select); 772 bases into the intron before coding-DNA position 1881, G replaced by A.
Molecular consequence: intron variant. On other transcripts: synonymous variant (1).
Genome position (GRCh38, 1-based): chr7:55,170,403, G>A. VCF-style: chr7-55170403-G-A. GRCh37 (hg19) VCF-style: chr7-55238096-G-A.
Other names: c.1977G>A, p.Gly659= (NM_201284.2); c.1746-772G>A (NM_001346899.2, NM_001346897.2); c.1080-772G>A (NM_001346941.2); c.1881-772G>A (NM_001346898.2); c.1722-772G>A (NM_001346900.2).
Identifiers: ClinVar variation 5039707 (VCV005039707.1).
Genomic context (GRCh38, chr7:55,170,403, plus strand): 5'-CCTTTTTAAACTATCATCCTGTAATCAAAGTAATGATGGCAGCGTGTCCCACCAGAGCGG[G>A]AGCCCAGCTGCTCAGGAGTCATGCTTAGGATGGATCCCTTCTCTTCTGCCGTCAGAGTTT-3'

ClinVar aggregate classification (germline): Likely benign (1 of 4 stars; one submission).

gnomAD v4.1: 8 of 1,614,060 alleles (0.0005%); highest among the groups gnomAD compares: Admixed American, 0.0033%; no homozygotes.

Submission:

CeGaT Center for Human Genetics Tuebingen
Classification: Likely benign. Last evaluated: 2026-07-01. Review status: criteria provided, single submitter. Criteria: CeGaT Center For Human Genetics Tuebingen Variant Classification Criteria Version 2. Collection method: clinical testing. Allele origin: germline. Affected: yes. Observed: 1 variant allele.
Comment: EGFR: BP4, BP7